The following is an entry in ClinVar:

NM_001369268.1(ACAN):c.910G>A (p.Asp304Asn)

Gene: ACAN (aggrecan; plus strand). Cytogenetic location: 15q26.1.
Variant type: single nucleotide variant.
Coding change: c.910G>A on transcript NM_001369268.1 (MANE Select); coding-DNA position 910, G replaced by A.
Protein change: p.Asp304Asn; replaces aspartic acid 304 with asparagine.
Molecular consequence: missense variant.
Genome position (GRCh38, 1-based): chr15:88,843,507, G>A. VCF-style: chr15-88843507-G-A. GRCh37 (hg19) VCF-style: chr15-89386738-G-A.
Other names: c.910G>A, p.Asp304Asn (NM_001135.4, NM_013227.4); c.910G>A (NM_013227.3); short protein forms D304N.
Identifiers: ClinVar variation 1373825 (VCV001373825.7), dbSNP rs2141576857, ClinGen allele CA393707808.

ClinVar aggregate classification (germline): Conflicting classifications of pathogenicity. Review status: criteria provided, conflicting classifications (1 of 4 stars). 2 submissions from 2 submitters: Likely pathogenic (1); Uncertain significance (1). Last evaluated 2025-11-27.

Submissions (2):

Labcorp Genetics (formerly Invitae), Labcorp
Classification: Uncertain significance. Last evaluated: 2025-11-27. Review status: criteria provided, single submitter. Criteria: Invitae Variant Classification Sherloc (09022015). Collection method: clinical testing. Allele origin: germline.
Comment: This sequence change replaces aspartic acid, which is acidic and polar, with asparagine, which is neutral and polar, at codon 304 of the ACAN protein (p.Asp304Asn). This variant is not present in population databases (gnomAD no frequency). This variant has not been reported in the literature in individuals affected with ACAN-related conditions. ClinVar contains an entry for this variant (Variation ID: 1373825). Invitae Evidence Modeling of protein sequence and biophysical properties (such as structural, functional, and spatial information, amino acid conservation, physicochemical variation, residue mobility, and thermodynamic stability) indicates that this missense variant is not expected to disrupt ACAN protein function with a negative predictive value of 80%. In summary, the available evidence is currently insufficient to determine the role of this variant in disease. Therefore, it has been classified as a Variant of Uncertain Significance.

GeneDx
Classification: Likely pathogenic. Last evaluated: 2024-07-22. Review status: criteria provided, single submitter. Criteria: GeneDx Variant Classification Process June 2021. Collection method: clinical testing. Allele origin: germline. Affected: yes.
Comment: In silico analysis supports that this missense variant has a deleterious effect on protein structure/function; Not observed at significant frequency in large population cohorts (gnomAD); This variant is associated with the following publications: (PMID: 38613222)